The following is an entry in ClinVar:

ClinVar aggregate classification (germline): Benign/Likely benign. Review status: criteria provided, multiple submitters, no conflicts (2 of 4 stars). 4 submissions from 4 submitters: Benign (1); Likely benign (3). Last evaluated 2025-06-20.

Conditions:
Mitochondrial complex II deficiency, nuclear type 1. Also called: SUCCINATE CoQ REDUCTASE DEFICIENCY. Identifiers: Orphanet 3208, MedGen C5700310, MONDO:0100294, OMIM 252011.
Pheochromocytoma/paraganglioma syndrome 5. Also called: Paragangliomas 5; SDHA-Related Hereditary Paraganglioma-Pheochromocytoma Syndrome. Identifiers: Orphanet 29072, MedGen C3279992, MONDO:0013602, OMIM 614165.
Hereditary cancer-predisposing syndrome. Also called: Tumor predisposition; Hereditary neoplastic syndrome; Neoplastic Syndromes, Hereditary; Hereditary Cancer Syndrome. Identifiers: Orphanet 140162, MedGen C0027672, MeSH D009386, MONDO:0015356.

gnomAD v4.1: 1 of 1,613,180 alleles (0.000062%); no homozygotes.

Submissions (4):

Labcorp Genetics (formerly Invitae), Labcorp
Classification: Likely benign for Pheochromocytoma/paraganglioma syndrome 5; Mitochondrial complex II deficiency, nuclear type 1. Last evaluated: 2025-06-20. Review status: criteria provided, single submitter. Criteria: Invitae Variant Classification Sherloc (09022015). Collection method: clinical testing. Allele origin: germline.

Myriad Genetics, Inc.
Classification: Benign for Pheochromocytoma/paraganglioma syndrome 5. Last evaluated: 2025-02-28. Review status: criteria provided, single submitter. Criteria: Myriad Autosomal Dominant, Autosomal Recessive and X-Linked Classification Criteria (2023). Collection method: clinical testing. Allele origin: unknown.
Comment: This variant is considered benign. This variant is a silent/synonymous amino acid change and it is not expected to impact splicing.

Blueprint Genetics
Classification: Likely benign. Last evaluated: 2024-06-18. Review status: criteria provided, single submitter. Criteria: ACMG Guidelines, 2015. Collection method: clinical testing. Allele origin: germline.

Ambry Genetics
Classification: Likely benign for Hereditary cancer-predisposing syndrome. Last evaluated: 2022-02-26. Review status: criteria provided, single submitter. Criteria: Ambry Variant Classification Scheme 2023. Collection method: clinical testing. Allele origin: germline.

NM_004168.4(SDHA):c.351C>T (p.Asp117=)

Gene: SDHA (succinate dehydrogenase complex flavoprotein subunit A; plus strand). Cytogenetic location: 5p15.33.
Variant type: single nucleotide variant.
Coding change: c.351C>T on transcript NM_004168.4 (MANE Select); coding-DNA position 351, C replaced by T.
Protein change: p.Asp117=; no amino-acid change (aspartic acid 117 retained).
Molecular consequence: synonymous variant. On other transcripts: intron variant (1).
Genome position (GRCh38, 1-based): chr5:225,457, C>T. VCF-style: chr5-225457-C-T. GRCh37 (hg19) VCF-style: chr5-225572-C-T.
Other names: c.351C>T, p.Asp117= (NM_001330758.2); c.313-426C>T (NM_001294332.2).
Identifiers: ClinVar variation 761310 (VCV000761310.13), dbSNP rs1579384072, ClinGen allele CA442690969.